The following is an entry in ClinVar:

NM_033641.4(COL4A6):c.217G>A (p.Gly73Arg)

Gene: COL4A6 (collagen type IV alpha 6 chain; minus strand). Cytogenetic location: Xq22.3.
Variant type: single nucleotide variant.
Coding change: c.217G>A on transcript NM_033641.4 (MANE Select); coding-DNA position 217, G replaced by A.
Protein change: p.Gly73Arg; replaces glycine 73 with arginine.
Molecular consequence: missense variant.
Genome position (GRCh38, 1-based): chrX:108,221,302, C>T on the plus strand (G>A on the coding strand, the complement: COL4A6 is on the minus strand). VCF-style: chrX-108221302-C-T. GRCh37 (hg19) VCF-style: chrX-107464532-C-T.
Other names: c.217G>A, p.Gly73Arg (NM_001287758.2, NM_001287759.2, NM_001287760.2); c.220G>A, p.Gly74Arg (NM_001847.4); short protein forms G73R, G74R.
Identifiers: ClinVar variation 2748544 (VCV002748544.3), dbSNP rs2522446451, ClinGen allele CA413904588.

ClinVar aggregate classification (germline): Uncertain significance (1 of 4 stars; one submission).

Submission:

Labcorp Genetics (formerly Invitae), Labcorp
Classification: Uncertain significance. Last evaluated: 2023-07-30. Review status: criteria provided, single submitter. Criteria: Invitae Variant Classification Sherloc (09022015). Collection method: clinical testing. Allele origin: germline.
Comment: This sequence change replaces glycine, which is neutral and non-polar, with arginine, which is basic and polar, at codon 74 of the COL4A6 protein (p.Gly74Arg). This variant is not present in population databases (gnomAD no frequency). This variant has not been reported in the literature in individuals affected with COL4A6-related conditions. Advanced modeling of protein sequence and biophysical properties (such as structural, functional, and spatial information, amino acid conservation, physicochemical variation, residue mobility, and thermodynamic stability) performed at Invitae indicates that this missense variant is expected to disrupt COL4A6 protein function. In summary, the available evidence is currently insufficient to determine the role of this variant in disease. Therefore, it has been classified as a Variant of Uncertain Significance.